The following is an entry in ClinVar:

NM_004700.4(KCNQ4):c.829G>A (p.Gly277Arg)

Gene: KCNQ4 (potassium voltage-gated channel subfamily Q member 4; plus strand). Cytogenetic location: 1p34.2.
Variant type: single nucleotide variant.
Coding change: c.829G>A on transcript NM_004700.4 (MANE Select); coding-DNA position 829, G replaced by A.
Protein change: p.Gly277Arg; replaces glycine 277 with arginine.
Molecular consequence: missense variant.
Genome position (GRCh38, 1-based): chr1:40,819,467, G>A. VCF-style: chr1-40819467-G-A. GRCh37 (hg19) VCF-style: chr1-41285139-G-A.
Other names: c.829G>A, p.Gly277Arg (NM_172163.3); short protein forms G277R.
Identifiers: ClinVar variation 178690 (VCV000178690.6), dbSNP rs727504459, ClinGen allele CA182793.

ClinVar aggregate classification (germline): Uncertain significance. Review status: criteria provided, multiple submitters, no conflicts (2 of 4 stars). 3 submissions from 3 submitters: Uncertain significance (3). Last evaluated 2023-04-11.

Conditions:
Autosomal dominant nonsyndromic hearing loss 2A. Also called: DFNA2 Nonsyndromic Hearing Loss; Autosomal dominant nonsyndromic deafness 2A; Deafness, autosomal dominant 2A. Identifiers: Orphanet 90635, MedGen C2677637, MONDO:0010817, OMIM 600101.

Submissions (3):

Genome-Nilou Lab
Classification: Uncertain significance for Autosomal dominant nonsyndromic hearing loss 2A. Last evaluated: 2023-04-11. Review status: criteria provided, single submitter. Criteria: ACMG Guidelines, 2015. Collection method: clinical testing. Allele origin: germline. Affected: no.

Fulgent Genetics
Classification: Uncertain significance for Autosomal dominant nonsyndromic hearing loss 2A. Last evaluated: 2018-10-31. Review status: criteria provided, single submitter. Criteria: ACMG Guidelines, 2015. Collection method: clinical testing. Allele origin: unknown.

Laboratory for Molecular Medicine, Mass General Brigham Personalized Medicine
Classification: Uncertain significance. Last evaluated: 2013-09-12. Review status: criteria provided, single submitter. Criteria: LMM Criteria. Collection method: clinical testing. Allele origin: germline. Observed: 1 variant allele.
Comment: The Gly277Arg variant in KCNQ4 has not been reported in individuals affected wit h hearing loss or in large population studies. Computational analyses (biochemic al amino acid properties, conservation, AlignGVGD, PolyPhen2, and SIFT) suggest that the Gly277Arg variant may impact the protein. In addition, this variant occ urs in the conserved pore forming region (P-loop) of the KCNQ4 protein, and s everal variants in this region have been reported as disease causing. However, w ith functional studies, this information is not enough to assume pathogenicity. In summary, additional data is needed to determine the clinical significance of this variant.